The following is an entry in ClinVar:

ClinVar aggregate classification (germline): Uncertain significance (1 of 4 stars; one submission).

Conditions:
Hereditary cancer-predisposing syndrome. Also called: Tumor predisposition; Neoplastic Syndromes, Hereditary; Hereditary neoplastic syndrome; Hereditary Cancer Syndrome. Identifiers: Orphanet 140162, MedGen C0027672, MeSH D009386, MONDO:0015356.

Allele frequency attached by ClinVar (database versions not stated): gnomAD 0.00001 and below 0.00001.

Submission:

Color Diagnostics, LLC DBA Color Health
Classification: Uncertain significance for Hereditary cancer-predisposing syndrome. Last evaluated: 2024-03-06. Review status: criteria provided, single submitter. Criteria: ACMG Guidelines, 2015. Collection method: clinical testing. Allele origin: germline.
Comment: This missense variant replaces isoleucine with valine at codon 2605 of the ATM protein. Computational prediction suggests that this variant may not impact protein structure and function (internally defined REVEL score threshold <= 0.5, PMID: 27666373). Splice site prediction tools suggest that this variant may not impact RNA splicing. To our knowledge, functional studies have not been reported for this variant. This variant has not been reported in individuals affected with hereditary cancer in the literature. This variant has not been identified in the general population by the Genome Aggregation Database (gnomAD). The available evidence is insufficient to determine the role of this variant in disease conclusively. Therefore, this variant is classified as a Variant of Uncertain Significance.

NM_000051.4(ATM):c.7813A>G (p.Ile2605Val)

Genes: ATM (ATM serine/threonine kinase; plus strand), C11orf65 (chromosome 11 open reading frame 65; minus strand). Cytogenetic location: 11q22.3.
Variant type: single nucleotide variant.
Coding change: c.7813A>G on transcript NM_000051.4 (MANE Select); coding-DNA position 7813, A replaced by G.
Protein change: p.Ile2605Val; replaces isoleucine 2605 with valine.
Molecular consequence: missense variant. On other transcripts: intron variant (2).
Genome position (GRCh38, 1-based): chr11:108,332,786, A>G. VCF-style: chr11-108332786-A-G. GRCh37 (hg19) VCF-style: chr11-108203513-A-G.
Other names: c.7813A>G, p.Ile2605Val (NM_001351834.2); c.641-23715T>C (NM_001330368.2); c.*38+2434T>C (NM_001351110.2); short protein forms I2605V.
Identifiers: ClinVar variation 921116 (VCV000921116.5), dbSNP rs2086407468, ClinGen allele CA382561288.